The following is an entry in ClinVar:

ClinVar aggregate classification (germline): Benign (0 of 4 stars; one submission).

Conditions:
RHEX-related disorder. Also called: RHEX-related condition.

Allele frequency attached by ClinVar (database versions not stated): ESP Exome Variant Server 0.00415; gnomAD exomes 0.00857; gnomAD 0.01396; ExAC 0.01509; TOPMed 0.01797; 1000 Genomes Project 30x 0.02436; 1000 Genomes Project 0.02516.
gnomAD v4.1: 14,544 of 1,593,640 alleles (0.91%); highest among the groups gnomAD compares: Admixed American, 7.3%; 311 homozygotes.

Submission:

PreventionGenetics, part of Exact Sciences
Classification: Benign for RHEX-related condition. Last evaluated: 2019-05-28. Review status: no assertion criteria provided. Collection method: clinical testing. Allele origin: germline.
Comment: This variant is classified as benign based on ACMG/AMP sequence variant interpretation guidelines (Richards et al. 2015 PMID: 25741868, with internal and published modifications).

NM_001007544.4(RHEX):c.112+7G>T

Gene: RHEX (regulator of hemoglobinization and erythroid cell expansion; plus strand). Cytogenetic location: 1q32.1.
Variant type: single nucleotide variant.
Coding change: c.112+7G>T on transcript NM_001007544.4 (MANE Select); 7 bases into the intron after coding-DNA position 112, G replaced by T.
Molecular consequence: intron variant.
Genome position (GRCh38, 1-based): chr1:206,098,188, G>T. VCF-style: chr1-206098188-G-T. GRCh37 (hg19) VCF-style: chr1-206243143-C-A.
Other names: c.112+7G>T (NM_001369490.1).
Identifiers: ClinVar variation 3041743 (VCV003041743.2), dbSNP rs111456444, ClinGen allele CA1359705.
Genomic context (GRCh38, chr1:206,098,188, plus strand): 5'-TCCTGCAGGCCTGCTTCCTCACCGCCATCAACTACCTGCTCAGCAGGCACATGGGTAACT[G>T]GCTCAGCATCCTCTTCCCTCCTAGTCACTCTCAGAGACCATTCTCGAGCCTCCAGCAGGA-3'